The following is an entry in ClinVar:

NM_006019.4(TCIRG1):c.61G>A (p.Ala21Thr)

Gene: TCIRG1 (T cell immune regulator 1, ATPase H+ transporting V0 subunit a3; plus strand). Cytogenetic location: 11q13.2.
Variant type: single nucleotide variant.
Coding change: c.61G>A on transcript NM_006019.4 (MANE Select); coding-DNA position 61, G replaced by A.
Protein change: p.Ala21Thr; replaces alanine 21 with threonine.
Molecular consequence: missense variant. On other transcripts: 5 prime UTR variant (1).
Genome position (GRCh38, 1-based): chr11:68,041,332, G>A. VCF-style: chr11-68041332-G-A. GRCh37 (hg19) VCF-style: chr11-67808799-G-A.
Other names: c.-1189G>A (NM_001351059.2); short protein forms A21T.
Identifiers: ClinVar variation 3708190 (VCV003708190.1).

ClinVar aggregate classification (germline): Uncertain significance (1 of 4 stars; one submission).

gnomAD v4.1: 13 of 1,613,114 alleles (0.00081%); highest among the groups gnomAD compares: Non-Finnish European, 0.0011%; no homozygotes.

Submission:

Labcorp Genetics (formerly Invitae), Labcorp
Classification: Uncertain significance. Last evaluated: 2024-06-11. Review status: criteria provided, single submitter. Criteria: Invitae Variant Classification Sherloc (09022015). Collection method: clinical testing. Allele origin: germline.
Comment: This sequence change replaces alanine, which is neutral and non-polar, with threonine, which is neutral and polar, at codon 21 of the TCIRG1 protein (p.Ala21Thr). This variant is present in population databases (rs757721543, gnomAD 0.002%). This variant has not been reported in the literature in individuals affected with TCIRG1-related conditions. Advanced modeling of protein sequence and biophysical properties (such as structural, functional, and spatial information, amino acid conservation, physicochemical variation, residue mobility, and thermodynamic stability) performed at Invitae indicates that this missense variant is not expected to disrupt TCIRG1 protein function with a negative predictive value of 80%. In summary, the available evidence is currently insufficient to determine the role of this variant in disease. Therefore, it has been classified as a Variant of Uncertain Significance.